The following is an entry in ClinVar:

NM_021076.4(NEFH):c.1904C>T (p.Pro635Leu)

Gene: NEFH (neurofilament heavy chain; plus strand). Cytogenetic location: 22q12.2.
Variant type: single nucleotide variant.
Coding change: c.1904C>T on transcript NM_021076.4 (MANE Select); coding-DNA position 1904, C replaced by T.
Protein change: p.Pro635Leu; replaces proline 635 with leucine.
Molecular consequence: missense variant.
Genome position (GRCh38, 1-based): chr22:29,489,544, C>T. VCF-style: chr22-29489544-C-T. GRCh37 (hg19) VCF-style: chr22-29885533-C-T.
Other names: c.1904C>T (NM_021076.3); short protein forms P635L.
Identifiers: ClinVar variation 1426541 (VCV001426541.23), dbSNP rs142817886, ClinGen allele CA10174292.
Genomic context (GRCh38, chr22:29,489,544, plus strand): 5'-CGGCTGAGGCCAAGTCCCCAGTGAAGGAAGAAGCAAAATCTCCAGCTGAGGTCAAGTCCC[C>T]GGAAAAGGCCAAGTCTCCAACGAAGGAGGAAGCAAAGTCCCCTGAGAAGGCCAAGTCCCC-3'
Protein context (NP_066554.2, residues 625-645): EAKSPAEVKS[Pro635Leu]EKAKSPTKEE

ClinVar aggregate classification (germline): Uncertain significance. Review status: criteria provided, multiple submitters, no conflicts (2 of 4 stars). 3 submissions from 3 submitters: Uncertain significance (3). Last evaluated 2025-02-15.

Conditions:
NEFH-related disorder. Also called: NEFH-related condition.

Allele frequency attached by ClinVar (database versions not stated): gnomAD exomes 0.00001 and 0.00002; ExAC 0.00003; gnomAD 0.00007 and 0.00010; ESP Exome Variant Server 0.00008; TOPMed 0.00014.
gnomAD v4.1: 29 of 1,613,180 alleles (0.0018%); highest among the groups gnomAD compares: African/African-American, 0.017%; no homozygotes.

Submissions (3):

PreventionGenetics, part of Exact Sciences
Classification: Uncertain significance for NEFH-related condition. Last evaluated: 2025-02-15. Review status: criteria provided, single submitter. Criteria: ACMG Guidelines, 2015. Collection method: clinical testing. Allele origin: germline.
Comment: The NEFH c.1904C>T variant is predicted to result in the amino acid substitution p.Pro635Leu. To our knowledge, this variant has not been reported in the literature. This variant is reported in 0.020% of alleles in individuals of African descent in gnomAD. At this time, the clinical significance of this variant is uncertain due to the absence of conclusive functional and genetic evidence.

Labcorp Genetics (formerly Invitae), Labcorp
Classification: Uncertain significance. Last evaluated: 2024-09-16. Review status: criteria provided, single submitter. Criteria: Invitae Variant Classification Sherloc (09022015). Collection method: clinical testing. Allele origin: germline.
Comment: This sequence change replaces proline, which is neutral and non-polar, with leucine, which is neutral and non-polar, at codon 635 of the NEFH protein (p.Pro635Leu). This variant is present in population databases (rs142817886, gnomAD 0.02%). This variant has not been reported in the literature in individuals affected with NEFH-related conditions. ClinVar contains an entry for this variant (Variation ID: 1426541). Invitae Evidence Modeling of protein sequence and biophysical properties (such as structural, functional, and spatial information, amino acid conservation, physicochemical variation, residue mobility, and thermodynamic stability) indicates that this missense variant is not expected to disrupt NEFH protein function with a negative predictive value of 95%. In summary, the available evidence is currently insufficient to determine the role of this variant in disease. Therefore, it has been classified as a Variant of Uncertain Significance.

CeGaT Center for Human Genetics Tuebingen
Classification: Uncertain significance. Last evaluated: 2024-08-01. Review status: criteria provided, single submitter. Criteria: CeGaT Center For Human Genetics Tuebingen Variant Classification Criteria Version 2. Collection method: clinical testing. Allele origin: germline. Affected: yes. Observed: 1 variant allele.
Comment: NEFH: PM2, BP4